The following is an entry in ClinVar:

NM_001039213.4(CEACAM16):c.114G>A (p.Thr38=)

Genes: CEACAM16 (CEA cell adhesion molecule 16, tectorial membrane component; plus strand), CEACAM16-AS1 (CEACAM16, CEACAM19 and PVR antisense RNA 1; minus strand). Cytogenetic location: 19q13.32.
Variant type: single nucleotide variant.
Coding change: c.114G>A on transcript NM_001039213.4 (MANE Select); coding-DNA position 114, G replaced by A.
Protein change: p.Thr38=; no amino-acid change (threonine 38 retained).
Molecular consequence: synonymous variant.
Genome position (GRCh38, 1-based): chr19:44,703,425, G>A. VCF-style: chr19-44703425-G-A. GRCh37 (hg19) VCF-style: chr19-45206695-G-A.
Other names: p.Thr38=.
Identifiers: ClinVar variation 226502 (VCV000226502.14), dbSNP rs894189, ClinGen allele CA9502956.

ClinVar aggregate classification (germline): Benign. Review status: criteria provided, multiple submitters, no conflicts (2 of 4 stars). 6 submissions from 6 submitters: Benign (6). Last evaluated 2026-02-01.

Allele frequency attached by ClinVar (database versions not stated): gnomAD 0.12083 and 0.11857; 1000 Genomes Project 0.13638; 1000 Genomes Project 30x 0.14225; TOPMed 0.13402; ExAC 0.09104; ESP Exome Variant Server 0.10991; gnomAD exomes 0.09132.
gnomAD v4.1: 113,314 of 1,613,668 alleles (7%); highest among the groups gnomAD compares: African/African-American, 25%; 6,038 homozygotes.

Submissions (6):

Labcorp Genetics (formerly Invitae), Labcorp
Classification: Benign. Last evaluated: 2026-02-01. Review status: criteria provided, single submitter. Criteria: Invitae Variant Classification Sherloc (09022015). Collection method: clinical testing. Allele origin: germline.

Mayo Clinic Laboratories, Mayo Clinic
Classification: Benign. Last evaluated: 2020-10-02. Review status: criteria provided, single submitter. Criteria: ACMG Guidelines, 2015. Collection method: clinical testing. Allele origin: germline. Observed: 27 variant alleles.

GeneDx
Classification: Benign. Last evaluated: 2017-08-03. Review status: criteria provided, single submitter. Criteria: GeneDx Variant Classification (06012015). Collection method: clinical testing. Allele origin: germline. Affected: yes.
Comment: This variant is considered likely benign or benign based on one or more of the following criteria: it is a conservative change, it occurs at a poorly conserved position in the protein, it is predicted to be benign by multiple in silico algorithms, and/or has population frequency not consistent with disease.

Laboratory for Molecular Medicine, Mass General Brigham Personalized Medicine
Classification: Benign. Last evaluated: 2014-11-24. Review status: criteria provided, single submitter. Criteria: LMM Criteria. Collection method: clinical testing. Allele origin: germline. Observed: 193 variant alleles.
Comment: Thr38Thr in exon 3 of CEACAM16: This variant is not expected to have clinical si gnificance because it does not alter an amino acid residue and is not located wi thin the splice consensus sequence. It has been identified in 22.9% (951/4144) o f African American chromosomes from a broad population by the NHLBI Exome Sequen cing Project (dbSNP rs894189).

Breakthrough Genomics
Classification: Benign. Review status: criteria provided, single submitter. Criteria: ACMG Guidelines, 2015. Collection method: not provided. Allele origin: germline. Inheritance: Autosomal recessive inheritance. Affected: yes.

PreventionGenetics, part of Exact Sciences
Classification: Benign. Review status: criteria provided, single submitter. Criteria: ACMG Guidelines, 2015. Collection method: clinical testing. Allele origin: germline.